The following is an entry in ClinVar:

ClinVar aggregate classification (germline): Uncertain significance (1 of 4 stars; one submission).

gnomAD v4.1: 6 of 1,614,064 alleles (0.00037%); highest among the groups gnomAD compares: African/African-American, 0.0013%; no homozygotes.

Submission:

Women's Health and Genetics/Laboratory Corporation of America, LabCorp
Classification: Uncertain significance. Last evaluated: 2025-06-09. Review status: criteria provided, single submitter. Criteria: LabCorp Variant Classification Summary - May 2015. Collection method: clinical testing. Allele origin: germline.
Comment: Variant summary: VPS13A c.6511A>G (p.Ile2171Val) results in a conservative amino acid change in the encoded protein sequence. Algorithms developed to predict the effect of missense changes on protein structure and function are either unavailable or do not agree on the potential impact of this missense change. The variant was absent in 251222 control chromosomes. The available data on variant occurrences in the general population are insufficient to allow any conclusion about variant significance. To our knowledge, no occurrence of c.6511A>G in individuals affected with Choreoacanthocytosis and no experimental evidence demonstrating its impact on protein function have been reported. No submitters have cited clinical-significance assessments for this variant to ClinVar. Based on the evidence outlined above, the variant was classified as uncertain significance.

Literature cited by the submitters: PubMed 38862964.

NM_033305.3(VPS13A):c.6511A>G (p.Ile2171Val)

Gene: VPS13A (vacuolar protein sorting 13 homolog A; plus strand). Cytogenetic location: 9q21.2.
Variant type: single nucleotide variant.
Coding change: c.6511A>G on transcript NM_033305.3 (MANE Select); coding-DNA position 6511, A replaced by G.
Protein change: p.Ile2171Val; replaces isoleucine 2171 with valine.
Molecular consequence: missense variant.
Genome position (GRCh38, 1-based): chr9:77,339,648, A>G. VCF-style: chr9-77339648-A-G. GRCh37 (hg19) VCF-style: chr9-79954564-A-G.
Other names: c.6394A>G, p.Ile2132Val (NM_001018037.2); c.6511A>G, p.Ile2171Val (NM_001018038.3, NM_015186.4); short protein forms I2132V, I2171V.
Identifiers: ClinVar variation 3907270 (VCV003907270.1).